The following is an entry in ClinVar:

ClinVar aggregate classification (germline): Uncertain significance (1 of 4 stars; one submission).

Conditions:
Cardiovascular phenotype. Identifiers: MedGen CN230736.

Submission:

Ambry Genetics
Classification: Uncertain significance for Cardiovascular phenotype. Last evaluated: 2024-10-21. Review status: criteria provided, single submitter. Criteria: Ambry Variant Classification Scheme 2023. Collection method: clinical testing. Allele origin: germline.
Comment: The p.K629R variant (also known as c.1886A>G), located in coding exon 23 of the CACNA2D1 gene, results from an A to G substitution at nucleotide position 1886. The lysine at codon 629 is replaced by arginine, an amino acid with highly similar properties. This amino acid position is conserved. In addition, this alteration is predicted to be tolerated by in silico analysis. Based on the available evidence, the clinical significance of this variant remains unclear.

NM_000722.4(CACNA2D1):c.1886A>G (p.Lys629Arg)

Gene: CACNA2D1 (calcium voltage-gated channel auxiliary subunit alpha2delta 1; minus strand). Cytogenetic location: 7q21.11.
Variant type: single nucleotide variant.
Coding change: c.1886A>G on transcript NM_000722.4 (MANE Select); coding-DNA position 1886, A replaced by G.
Protein change: p.Lys629Arg; replaces lysine 629 with arginine.
Molecular consequence: missense variant. On other transcripts: intron variant (1).
Genome position (GRCh38, 1-based): chr7:81,983,322, T>C on the plus strand (A>G on the coding strand, the complement: CACNA2D1 is on the minus strand). VCF-style: chr7-81983322-T-C. GRCh37 (hg19) VCF-style: chr7-81612638-T-C.
Other names: c.1931-695A>G (NM_001366867.1); short protein forms K629R.
Identifiers: ClinVar variation 3484094 (VCV003484094.1).